The following is an entry in ClinVar:

ClinVar aggregate classification (germline): Uncertain significance (1 of 4 stars; one submission).

Submission:

Labcorp Genetics (formerly Invitae), Labcorp
Classification: Uncertain significance. Last evaluated: 2025-01-06. Review status: criteria provided, single submitter. Criteria: Invitae Variant Classification Sherloc (09022015). Collection method: clinical testing. Allele origin: germline.
Comment: This sequence change replaces serine, which is neutral and polar, with threonine, which is neutral and polar, at codon 825 of the ATP2B4 protein (p.Ser825Thr). This variant is not present in population databases (gnomAD no frequency). This variant has not been reported in the literature in individuals affected with ATP2B4-related conditions. Invitae Evidence Modeling of protein sequence and biophysical properties (such as structural, functional, and spatial information, amino acid conservation, physicochemical variation, residue mobility, and thermodynamic stability) indicates that this missense variant is expected to disrupt ATP2B4 protein function with a positive predictive value of 80%. In summary, the available evidence is currently insufficient to determine the role of this variant in disease. Therefore, it has been classified as a Variant of Uncertain Significance.

NM_001684.5(ATP2B4):c.2474G>C (p.Ser825Thr)

Gene: ATP2B4 (ATPase plasma membrane Ca2+ transporting 4; plus strand). Cytogenetic location: 1q32.1.
Variant type: single nucleotide variant.
Coding change: c.2474G>C on transcript NM_001684.5 (MANE Select); coding-DNA position 2474, G replaced by C.
Protein change: p.Ser825Thr; replaces serine 825 with threonine.
Molecular consequence: missense variant.
Genome position (GRCh38, 1-based): chr1:203,720,616, G>C. VCF-style: chr1-203720616-G-C. GRCh37 (hg19) VCF-style: chr1-203689744-G-C.
Other names: c.2474G>C, p.Ser825Thr (NM_001001396.3, NM_001365783.2, NM_001365784.2); short protein forms S825T.
Identifiers: ClinVar variation 3727606 (VCV003727606.2).